The following is an entry in ClinVar:

ClinVar aggregate classification (germline): Pathogenic (1 of 4 stars; one submission).

Submission:

ISCA site 4
Classification: Pathogenic. Last evaluated: 2011-08-12. Review status: criteria provided, single submitter. Criteria: Kaminsky et al. (Genet Med. 2011). Collection method: clinical testing. Allele origin: unknown. Affected: yes. Observed: 1 variant allele.
Comment: Copy number variation identified through the course of routine clinical cytogenomic testing in postnatal populations. Clinical assertions have been curated as described in Kaminsky et al. 2011.

GRCh38/hg38 9p23-22.2(chr9:11086096-17636671)x1

Genes: BNC2 (basonuclin zinc finger protein 2; minus strand), BNC2-AS1 (BNC2 antisense RNA 1; plus strand), CCDC171 (coiled-coil domain containing 171; plus strand), CER1 (cerberus 1, DAN family BMP antagonist; minus strand), CNTLN (centlein; plus strand) and 57 more. Cytogenetic location: 9p23-22.2.
Variant type: copy number loss.
Change: copy number 1 (one copy instead of two) of chr9:11,086,096-17,636,671 (6.55 Mb, GRCh38 coordinates, 1-based), cytogenetic band 9p23-22.2.
Identifiers: ClinVar variation 57336 (VCV000057336.1).